The following is an entry in ClinVar:

ClinVar aggregate classification (germline): Pathogenic. Review status: reviewed by expert panel (3 of 4 stars). 12 submissions from 12 submitters: Pathogenic (1). 11 of the submissions do not count toward it. Last evaluated 2016-09-08.

Conditions:
Breast and/or ovarian cancer. Identifiers: MedGen CN221562.
Familial cancer of breast. Also called: Hereditary breast cancer; hereditary breast carcinoma; BREAST CANCER, FAMILIAL. Identifiers: Orphanet 227535, MedGen C0346153, MONDO:0016419, OMIM 114480. Disease mechanism: loss of function.
Breast-ovarian cancer, familial, susceptibility to, 1 (BROVCA1). Also called: OVARIAN CANCER, SUSCEPTIBILITY TO; BRCA1 Hereditary Breast and Ovarian Cancer. Identifiers: Orphanet 145, MedGen C2676676, MONDO:0011450, OMIM 604370. Disease mechanism: loss of function.
Pancreatic cancer, susceptibility to, 4. Identifiers: Orphanet 1333, MedGen C3280442, MONDO:0013685, OMIM 614320.
Fanconi anemia, complementation group S (FANCS). Identifiers: MedGen C4554406, MONDO:0054748, OMIM 617883.
Hereditary cancer-predisposing syndrome. Also called: Tumor predisposition; Neoplastic Syndromes, Hereditary; Hereditary Cancer Syndrome; Hereditary neoplastic syndrome. Identifiers: Orphanet 140162, MedGen C0027672, MeSH D009386, MONDO:0015356.
Hereditary breast ovarian cancer syndrome. Also called: Hereditary breast and ovarian cancer syndrome (HBOC); Hereditary breast and ovarian cancer syndrome; Hereditary breast and ovarian cancer; Hereditary breast and/or ovarian cancer syndrome; Breast and ovarian cancer; BRCA1- and BRCA2-Associated Hereditary Breast and Ovarian Cancer. Identifiers: Orphanet 145, MedGen C0677776, MeSH D061325, MONDO:0003582. Disease mechanism: loss of function.
Malignant tumor of breast. Also called: Malignant breast neoplasm; Cancer breast. Identifiers: MedGen C0006142, MONDO:0007254. Disease mechanism: loss of function.

Allele frequency attached by ClinVar (database versions not stated): gnomAD exomes below 0.00001.

Submissions (13):

Evidence-based Network for the Interpretation of Germline Mutant Alleles (ENIGMA)
Classification: Pathogenic for Breast-ovarian cancer, familial, susceptibility to, 1. Last evaluated: 2016-09-08. Review status: reviewed by expert panel. Criteria: ENIGMA BRCA1/2 Classification Criteria (2015). Collection method: curation. Allele origin: germline.
Comment: Variant allele predicted to encode a truncated non-functional protein.

Center for Genomic Medicine, Rigshospitalet, Copenhagen University Hospital
Classification: Pathogenic. Last evaluated: 2025-03-04. Review status: criteria provided, single submitter. Criteria: ACMG Guidelines, 2015. Collection method: clinical testing. Allele origin: germline. Not counted in ClinVar's aggregate classification.

Labcorp Genetics (formerly Invitae), Labcorp
Classification: Pathogenic for Hereditary breast ovarian cancer syndrome. Last evaluated: 2024-07-11. Review status: criteria provided, single submitter. Criteria: Invitae Variant Classification Sherloc (09022015). Collection method: clinical testing. Allele origin: germline. Not counted in ClinVar's aggregate classification.
Comment: This sequence change creates a premature translational stop signal (p.Gln81*) in the BRCA1 gene. It is expected to result in an absent or disrupted protein product. Loss-of-function variants in BRCA1 are known to be pathogenic (PMID: 20104584). This variant is not present in population databases (gnomAD no frequency). This premature translational stop signal has been observed in individual(s) with breast cancer or ovarian cancer (PMID: 15382066). This variant is also known as c.360C>T. ClinVar contains an entry for this variant (Variation ID: 54565). Algorithms developed to predict the effect of sequence changes on RNA splicing suggest that this variant may disrupt the consensus splice site. For these reasons, this variant has been classified as Pathogenic.

Ambry Genetics
Classification: Pathogenic for Hereditary cancer-predisposing syndrome. Last evaluated: 2022-08-19. Review status: criteria provided, single submitter. Criteria: Ambry Variant Classification Scheme 2023. Collection method: clinical testing. Allele origin: germline. Not counted in ClinVar's aggregate classification.
Comment: The p.Q81* pathogenic mutation (also known as c.241C>T), located in coding exon 4 of the BRCA1 gene, results from a C to T substitution at nucleotide position 241. This changes the amino acid from a glutamine to a stop codon within coding exon 4. This mutation has been reported in multiple families with hereditary breast and/or ovarian cancer (Oros KK et al. Int. J. Cancer 2004 Nov;112(3):411-9; Heramb C et al. Hered Cancer Clin Pract 2018 Jan;16:3; Arai M et al. J. Hum. Genet. 2018 Apr;63(4):447-457). Of note, this mutation is also designated as 360C>T in published literature. This variant is considered to be rare based on population cohorts in the Genome Aggregation Database (gnomAD). This alteration is expected to result in loss of function by premature protein truncation or nonsense-mediated mRNA decay. As such, this alteration is interpreted as a disease-causing mutation.

Baylor Genetics
Classification: Pathogenic for Breast-ovarian cancer, familial, susceptibility to, 1. Last evaluated: 2021-03-08. Review status: criteria provided, single submitter. Criteria: ACMG Guidelines, 2015. Collection method: clinical testing. Allele origin: unknown. Not counted in ClinVar's aggregate classification.

Fulgent Genetics
Classification: Pathogenic for Familial cancer of breast; Breast-ovarian cancer, familial, susceptibility to, 1; Pancreatic cancer, susceptibility to, 4; Fanconi anemia, complementation group S. Last evaluated: 2018-10-31. Review status: criteria provided, single submitter. Criteria: ACMG Guidelines, 2015. Collection method: clinical testing. Allele origin: unknown. Not counted in ClinVar's aggregate classification.

Consortium of Investigators of Modifiers of BRCA1/2 (CIMBA), c/o University of Cambridge
Classification: Pathogenic for Breast-ovarian cancer, familial, susceptibility to, 1. Last evaluated: 2015-10-02. Review status: criteria provided, single submitter. Criteria: CIMBA Mutation Classification guidelines May 2016. Collection method: clinical testing. Allele origin: germline. Not counted in ClinVar's aggregate classification.

Department of Medical Genetics, Oslo University Hospital
Classification: Pathogenic for Breast-ovarian cancer, familial, susceptibility to, 1. Last evaluated: 2015-07-01. Review status: criteria provided, single submitter. Criteria: ACMG Guidelines, 2015. Collection method: clinical testing. Allele origin: germline. Affected: yes. Observed: 1 variant allele. Not counted in ClinVar's aggregate classification.

Research Molecular Genetics Laboratory, Women's College Hospital, University of Toronto
Classification: Pathogenic for Hereditary breast ovarian cancer syndrome. Last evaluated: 2014-01-31. Review status: no assertion criteria provided. Collection method: research. Allele origin: germline. Affected: yes. Study: The Canadian Open Genetics Repository (COGR). Not counted in ClinVar's aggregate classification.

Breast Cancer Information Core (BIC) (BRCA1)
Classification: Pathogenic for Breast-ovarian cancer, familial 1. Last evaluated: 2002-05-29. Review status: no assertion criteria provided. Collection method: clinical testing. Allele origin: germline. Affected: yes. Observed: 3 variant alleles. Not counted in ClinVar's aggregate classification.

Foulkes Cancer Genetics LDI, Lady Davis Institute for Medical Research
Classification: Pathogenic for Breast and/or ovarian cancer. Last evaluated: 2000-09-06. Review status: no assertion criteria provided. Collection method: clinical testing. Allele origin: germline. Study: The Canadian Open Genetics Repository (COGR). Not counted in ClinVar's aggregate classification.

Brotman Baty Institute, University of Washington
No classification provided (evidence only). Condition: Breast-ovarian cancer, familial 1. Review status: no classification provided. Collection method: in vitro. Allele origin: not applicable. Functional consequence: function_uncertain_variant. Not counted in ClinVar's aggregate classification.
ClinVar note: "not provided" was previously submitted as the classification for the variant. However, the classification appeared to be based only on an observation of functional data so it was converted to no classification on 2025-07-30.

Department of Pathology and Laboratory Medicine, Sinai Health System
Classification: Pathogenic for Malignant tumor of breast. Review status: no assertion criteria provided. Collection method: clinical testing. Allele origin: unknown. Affected: yes. Study: The Canadian Open Genetics Repository (COGR). Not counted in ClinVar's aggregate classification.
Comment: The p.Gln81X variant was identified in 1 of 338 proband chromosomes (frequency: 0.003) from individuals or families with Breast and or Ovarian cancer (Oros, 2004). The variant was also identified in dbSNP (ID: rs80357350) â€šÃ„ÃºWith pathogenic alleleâ€šÃ„Ã¹, HGMD, ClinVar database (sighted by BIC and invitae), the BIC database (3X with class 5 clinical importance), and UMD (5X as a causal variant). The p.Gln81X variant leads to a premature stop codon at position 81, which is predicted to lead to a truncated or absent protein and loss of function. Loss of function variants of the BRCA1 gene are an established mechanism of disease in hereditary breast and ovarian cancer and is the type of variant expected to cause the disorder. In summary, based on the above information, this variant meets our laboratoryâ€šÃ„Ã´s criteria to be classified as pathogenic.

Literature cited by the submitters: PubMed 15382066 (cited by Center for Genomic Medicine, Rigshospitalet, Copenhagen University Hospital and Labcorp Genetics (formerly Invitae), Labcorp); PubMed 20104584 (cited by Labcorp Genetics (formerly Invitae), Labcorp).

NM_007294.4(BRCA1):c.241C>T (p.Gln81Ter)

Gene: BRCA1 (BRCA1 DNA repair associated; minus strand). Cytogenetic location: 17q21.31.
Variant type: single nucleotide variant.
Coding change: c.241C>T on transcript NM_007294.4 (MANE Select); coding-DNA position 241, C replaced by T.
Protein change: p.Gln81Ter; replaces glutamine 81 with a stop codon.
Molecular consequence: nonsense. On other transcripts: non-coding transcript variant (1).
Genome position (GRCh38, 1-based): chr17:43,104,928, G>A on the plus strand (C>T on the coding strand, the complement: BRCA1 is on the minus strand). VCF-style: chr17-43104928-G-A. GRCh37 (hg19) VCF-style: chr17-41256945-G-A.
Other names: c.100C>T, p.Gln34Ter (NM_001408459.1, NM_001408460.1, NM_001408461.1 and 99 more transcripts); c.241C>T, p.Gln81Ter (NM_001408472.1, NM_001408473.1, NM_001408494.1 and 168 more transcripts); c.163C>T, p.Gln55Ter (NM_001408474.1, NM_001408475.1, NM_001408476.1 and 21 more transcripts); c.31C>T, p.Gln11Ter (NM_001408478.1, NM_001408479.1, NM_001408480.1 and 58 more transcripts); c.-141C>T (NM_001408510.1, NM_001408512.1, NM_001407959.1 and 4 more transcripts); c.109C>T, p.Gln37Ter (NM_001408451.1); short protein forms Q81*, Q34*, Q11*, Q55*, Q37*.
Identifiers: ClinVar variation 54565 (VCV000054565.23), dbSNP rs80357350, ClinGen allele CA001613.